The following is an entry in ClinVar:

ClinVar aggregate classification (germline): Pathogenic (1 of 4 stars; one submission).

Conditions:
Intellectual developmental disorder, X-linked 99. Also called: Intellectual disability, X-linked 99. Identifiers: Orphanet 777, MedGen C3806746, MONDO:0010487, OMIM 300919.

Submission:

Baylor Genetics
Classification: Pathogenic for Intellectual developmental disorder, X-linked 99. Last evaluated: 2018-08-30. Review status: criteria provided, single submitter. Criteria: ACMG Guidelines, 2015. Collection method: clinical testing. Allele origin: de novo. Affected: yes.
Comment: This variant was determined to be pathogenic according to ACMG Guidelines, 2015 [PMID:25741868].

NM_001039591.3(USP9X):c.2026C>T (p.Gln676Ter)

Gene: USP9X (ubiquitin specific peptidase 9 X-linked; plus strand). Cytogenetic location: Xp11.4.
Variant type: single nucleotide variant.
Coding change: c.2026C>T on transcript NM_001039591.3 (MANE Select); coding-DNA position 2026, C replaced by T.
Protein change: p.Gln676Ter; replaces glutamine 676 with a stop codon.
Molecular consequence: nonsense.
Genome position (GRCh38, 1-based): chrX:41,165,912, C>T. VCF-style: chrX-41165912-C-T. GRCh37 (hg19) VCF-style: chrX-41025165-C-T.
Other names: c.2026C>T, p.Gln676Ter (NM_001039590.3); short protein forms Q676*.
Identifiers: ClinVar variation 1034402 (VCV001034402.1), dbSNP rs2062675453, ClinGen allele CA412752125.
Genomic context (GRCh38, chrX:41,165,912, plus strand): 5'-ATTTTCAATGTTTTTTCAAGATTTTTATTGAAGGATGGTCAGCTGTGGCTATGTGCTCCT[C>T]AGGCAAAACAAATATGGAAATGCTTAGCTGAGAATGCAGTTTACCTTTGTGATCGTGAAG-3'